The following is an entry in ClinVar:

NM_015559.3(SETBP1):c.3627A>C (p.Lys1209Asn)

Gene: SETBP1 (SET binding protein 1; plus strand). Cytogenetic location: 18q12.3.
Variant type: single nucleotide variant.
Coding change: c.3627A>C on transcript NM_015559.3 (MANE Select); coding-DNA position 3627, A replaced by C.
Protein change: p.Lys1209Asn; replaces lysine 1209 with asparagine.
Molecular consequence: missense variant.
Genome position (GRCh38, 1-based): chr18:44,952,967, A>C. VCF-style: chr18-44952967-A-C. GRCh37 (hg19) VCF-style: chr18-42532932-A-C.
Other names: c.3627A>C, p.Lys1209Asn (NM_001379141.1, NM_001379142.1, NM_001410862.1); short protein forms K1209N.
Identifiers: ClinVar variation 2850290 (VCV002850290.3), dbSNP rs1423572501, ClinGen allele CA402324833.
Genomic context (GRCh38, chr18:44,952,967, plus strand): 5'-GCTGAGTAGCGCAGACAAAGAGCTCCCGCTGGTGAGTGAGAAGAACAAGCATAAGGAGAA[A>C]CAGAAGCACCAGCACAGCGAAGCCGGCCACAAAGCTTCTAAGAACAACTTTGAGGTGGAC-3'
Protein context (NP_056374.2, residues 1199-1219): LVSEKNKHKE[Lys1209Asn]QKHQHSEAGH

ClinVar aggregate classification (germline): Uncertain significance (1 of 4 stars; one submission).

gnomAD v4.1: 1 of 1,614,082 alleles (0.000062%); highest among the groups gnomAD compares: African/African-American, 0.0013%; no homozygotes.

Submission:

Labcorp Genetics (formerly Invitae), Labcorp
Classification: Uncertain significance. Last evaluated: 2023-03-27. Review status: criteria provided, single submitter. Criteria: Invitae Variant Classification Sherloc (09022015). Collection method: clinical testing. Allele origin: germline.
Comment: In summary, the available evidence is currently insufficient to determine the role of this variant in disease. Therefore, it has been classified as a Variant of Uncertain Significance. Advanced modeling of protein sequence and biophysical properties (such as structural, functional, and spatial information, amino acid conservation, physicochemical variation, residue mobility, and thermodynamic stability) performed at Invitae indicates that this missense variant is expected to disrupt SETBP1 protein function. This variant has not been reported in the literature in individuals affected with SETBP1-related conditions. This sequence change replaces lysine, which is basic and polar, with asparagine, which is neutral and polar, at codon 1209 of the SETBP1 protein (p.Lys1209Asn). This variant is not present in population databases (gnomAD no frequency).